The following is an entry in ClinVar:

NM_183050.4(BCKDHB):c.583dup (p.Tyr195fs)

Gene: BCKDHB (branched chain keto acid dehydrogenase E1 subunit beta; plus strand). Cytogenetic location: 6q14.1.
Variant type: Duplication.
Coding change: c.583dup on transcript NM_183050.4 (MANE Select); coding-DNA position 583, one base duplicated (T; older notation c.583dupT).
Protein change: p.Tyr195fs; shifts the reading frame from tyrosine 195.
Molecular consequence: frameshift variant. On other transcripts: non-coding transcript variant (1).
Genome position (GRCh38, 1-based): chr6:80,168,980, T duplicated. VCF-style (leftmost placement, unchanged base first): chr6-80168979-C-CT. GRCh37 (hg19) VCF-style: chr6-80878696-C-CT.
Other names: c.583dupT (NM_183050.3); c.583dup, p.Tyr195fs (NM_000056.5); c.373dup, p.Tyr125fs (NM_001318975.1); short protein forms Y125fs, Y195fs.
Identifiers: ClinVar variation 838288 (VCV000838288.12), dbSNP rs1772747408, ClinGen allele CA916082890.
Genomic context (GRCh38, chr6:80,168,979, plus strand): 5'-TTTTAACTGTGGAAGCCTCACTATCCGGTCCCCTTGGGGCTGTGTTGGTCATGGGGCTCT[C>CT]TATCATTCTCAGAGTCCTGAAGCATTTTTTGCCCATTGCCCAGGAATCAAGGTATGTTCA-3'

ClinVar aggregate classification (germline): Pathogenic/Likely pathogenic. Review status: criteria provided, multiple submitters, no conflicts (2 of 4 stars). 3 submissions from 3 submitters: Pathogenic (2); Likely pathogenic (1). Last evaluated 2025-11-12.

Conditions:
Maple syrup urine disease type 1B (MSUD1B). Also called: MSUD type IB; MSUD type 3 (formerly); MSUD due to deficiency of e1-beta subunit of branched-chain alpha-keto acid dehydrogenase complex. Identifiers: MedGen C2930990, MONDO:0023692, OMIM 620698.
Maple syrup urine disease (MSUD). Identifiers: Orphanet 511, MedGen C0024776, MeSH D008375, MONDO:0009563. Disease mechanism: loss of function.

Allele frequency attached by ClinVar (database versions not stated): gnomAD exomes 0.00001.

Submissions (3):

Natera, Inc.
Classification: Pathogenic for Maple syrup urine disease type 1B. Last evaluated: 2025-11-12. Review status: criteria provided, single submitter. Criteria: Natera Variant Classification Schema (03/2026). Collection method: clinical testing. Allele origin: germline.
Comment: The c.583dupT variant in BCKDHB is a frameshift variant predicted to shift the reading frame beginning at codon 195 and leads to a stop codon 7 codons downstream. This variant is expected to result in nonsense mediated decay, truncation, or a dysfunctional protein product. This variant is rare in the general population with a frequency below the threshold expected for the associated phenotype(s). This variant has been observed in one or more individuals affected with the associated recessive disease, as either homozygous or compound heterozygous with a second variant (PMID: 31980395). Given the available evidence, this variant is classified as Pathogenic.

Labcorp Genetics (formerly Invitae), Labcorp
Classification: Pathogenic for Maple syrup urine disease. Last evaluated: 2024-01-22. Review status: criteria provided, single submitter. Criteria: Invitae Variant Classification Sherloc (09022015). Collection method: clinical testing. Allele origin: germline.
Comment: This sequence change creates a premature translational stop signal (p.Tyr195Leufs*7) in the BCKDHB gene. It is expected to result in an absent or disrupted protein product. Loss-of-function variants in BCKDHB are known to be pathogenic (PMID: 16786533, 22593002). This variant is not present in population databases (gnomAD no frequency). This premature translational stop signal has been observed in individual(s) with maple syrup urine disease (PMID: 31980395). ClinVar contains an entry for this variant (Variation ID: 838288). For these reasons, this variant has been classified as Pathogenic.

Women's Health and Genetics/Laboratory Corporation of America, LabCorp
Classification: Likely pathogenic for Maple syrup urine disease. Last evaluated: 2021-12-03. Review status: criteria provided, single submitter. Criteria: LabCorp Variant Classification Summary - May 2015. Collection method: clinical testing. Allele origin: germline.
Comment: Variant summary: BCKDHB c.583dupT (p.Tyr195LeufsX7) results in a premature termination codon, predicted to cause a truncation of the encoded protein or absence of the protein due to nonsense mediated decay, which are commonly known mechanisms for disease. Truncations downstream of this position have been classified as pathogenic by our laboratory. The variant was absent in 251380 control chromosomes. c.583dupT has been reported in the literature in at least one individual affected with Maple Syrup Urine Disease (Strauss_2020). These data do not allow any conclusion about variant significance. To our knowledge, no experimental evidence demonstrating an impact on protein function has been reported. One clinical diagnostic laboratory has submitted clinical-significance assessments for this variant to ClinVar after 2014 without evidence for independent evaluation and classified the variant as pathogenic. Based on the evidence outlined above, the variant was classified as likely pathogenic.

Literature cited by the submitters: PubMed 31980395 (cited by 3 submitters); PubMed 16786533 (cited by Labcorp Genetics (formerly Invitae), Labcorp); PubMed 22593002 (cited by Labcorp Genetics (formerly Invitae), Labcorp); PubMed 25255367 (cited by Women's Health and Genetics/Laboratory Corporation of America, LabCorp).